The following is an entry in ClinVar:

ClinVar aggregate classification (germline): Uncertain significance. Review status: criteria provided, multiple submitters, no conflicts (2 of 4 stars). 2 submissions from 2 submitters: Uncertain significance (2). Last evaluated 2024-05-20.

Conditions:
Hereditary cancer-predisposing syndrome. Also called: Tumor predisposition; Hereditary Cancer Syndrome; Hereditary neoplastic syndrome; Neoplastic Syndromes, Hereditary. Identifiers: Orphanet 140162, MedGen C0027672, MeSH D009386, MONDO:0015356.
Carney complex, type 1 (CNC1). Also called: CARNEY MYXOMA-ENDOCRINE COMPLEX; CARNEY COMPLEX, TYPE I. Identifiers: Orphanet 1359, MedGen C2607929, MONDO:0008057, OMIM 160980.

Allele frequency attached by ClinVar (database versions not stated): gnomAD exomes below 0.00001.

Submissions (2):

Labcorp Genetics (formerly Invitae), Labcorp
Classification: Uncertain significance for Carney complex, type 1. Last evaluated: 2024-05-20. Review status: criteria provided, single submitter. Criteria: Invitae Variant Classification Sherloc (09022015). Collection method: clinical testing. Allele origin: germline.
Comment: This sequence change replaces isoleucine, which is neutral and non-polar, with methionine, which is neutral and non-polar, at codon 27 of the PRKAR1A protein (p.Ile27Met). This variant is present in population databases (no rsID available, gnomAD 0.006%). This variant has not been reported in the literature in individuals affected with PRKAR1A-related conditions. ClinVar contains an entry for this variant (Variation ID: 486162). An algorithm developed to predict the effect of missense changes on protein structure and function (PolyPhen-2) suggests that this variant is likely to be disruptive. In summary, the available evidence is currently insufficient to determine the role of this variant in disease. Therefore, it has been classified as a Variant of Uncertain Significance.

Ambry Genetics
Classification: Uncertain significance for Hereditary cancer-predisposing syndrome. Last evaluated: 2017-04-13. Review status: criteria provided, single submitter. Criteria: Ambry Variant Classification Scheme 2023. Collection method: clinical testing. Allele origin: germline.
Comment: The p.I27M variant (also known as c.81T>G), located in coding exon 1 of the PRKAR1A gene, results from a T to G substitution at nucleotide position 81. The isoleucine at codon 27 is replaced by methionine, an amino acid with highly similar properties. This amino acid position is highly conserved in available vertebrate species. In addition, the in silico prediction for this alteration is inconclusive. Since supporting evidence is limited at this time, the clinical significance of this alteration remains unclear.

NM_002734.5(PRKAR1A):c.81T>G (p.Ile27Met)

Gene: PRKAR1A (protein kinase cAMP-dependent type I regulatory subunit alpha; plus strand). Cytogenetic location: 17q24.2.
Variant type: single nucleotide variant.
Coding change: c.81T>G on transcript NM_002734.5 (MANE Select); coding-DNA position 81, T replaced by G.
Protein change: p.Ile27Met; replaces isoleucine 27 with methionine.
Molecular consequence: missense variant.
Genome position (GRCh38, 1-based): chr17:68,515,480, T>G. VCF-style: chr17-68515480-T-G. GRCh37 (hg19) VCF-style: chr17-66511621-T-G.
Other names: c.81T>G, p.Ile27Met (NM_001276289.2, NM_001276290.1, NM_001278433.2 and 4 more transcripts); short protein forms I27M.
Identifiers: ClinVar variation 486162 (VCV000486162.13), dbSNP rs1235317386, ClinGen allele CA400751929.